The following is an entry in ClinVar:

NM_002474.3(MYH11):c.2279T>C (p.Leu760Ser)

Gene: MYH11 (myosin heavy chain 11; minus strand). Cytogenetic location: 16p13.11.
Variant type: single nucleotide variant.
Coding change: c.2279T>C on transcript NM_002474.3 (MANE Select); coding-DNA position 2279, T replaced by C.
Protein change: p.Leu760Ser; replaces leucine 760 with serine.
Molecular consequence: missense variant.
Genome position (GRCh38, 1-based): chr16:15,747,702, A>G on the plus strand (T>C on the coding strand, the complement: MYH11 is on the minus strand). VCF-style: chr16-15747702-A-G. GRCh37 (hg19) VCF-style: chr16-15841559-A-G.
Other names: c.2300T>C, p.Leu767Ser (NM_001040113.2, NM_001040114.2); c.2279T>C, p.Leu760Ser (NM_022844.3); short protein forms L760S, L767S.
Identifiers: ClinVar variation 923459 (VCV000923459.4), dbSNP rs2041456567, ClinGen allele CA394867505.

ClinVar aggregate classification (germline): Uncertain significance (1 of 4 stars; one submission).

Conditions:
Familial thoracic aortic aneurysm and aortic dissection (TAAD). Also called: Thoracic aortic aneurysms and dissections. Identifiers: Orphanet 91387, MedGen C4707243, MONDO:0019625.

Submission:

Color Diagnostics, LLC DBA Color Health
Classification: Uncertain significance for Familial thoracic aortic aneurysm and aortic dissection. Last evaluated: 2024-03-06. Review status: criteria provided, single submitter. Criteria: ACMG Guidelines, 2015. Collection method: clinical testing. Allele origin: germline.
Comment: This missense variant replaces leucine with serine at codon 767 of the MYH11 protein. Computational prediction suggests that this variant may have deleterious impact on protein structure and function (internally defined REVEL score threshold >= 0.7, PMID: 27666373). Splice site prediction tools suggest that this variant may not impact RNA splicing. To our knowledge, functional studies have not been performed for this variant. This variant has not been reported in individuals affected with cardiovascular disorders in the literature. This variant has not been identified in the general population by the Genome Aggregation Database (gnomAD). The available evidence is insufficient to determine the role of this variant in disease conclusively. Therefore, this variant is classified as a Variant of Uncertain Significance.